The following is an entry in ClinVar:

NM_080605.4(B3GALT6):c.895C>A (p.Leu299Met)

Gene: B3GALT6 (beta-1,3-galactosyltransferase 6; plus strand). Cytogenetic location: 1p36.33.
Variant type: single nucleotide variant.
Coding change: c.895C>A on transcript NM_080605.4 (MANE Select); coding-DNA position 895, C replaced by A.
Protein change: p.Leu299Met; replaces leucine 299 with methionine.
Molecular consequence: missense variant.
Genome position (GRCh38, 1-based): chr1:1,233,173, C>A. VCF-style: chr1-1233173-C-A. GRCh37 (hg19) VCF-style: chr1-1168553-C-A.
Other names: p.Leu299Met; short protein forms L299M.
Identifiers: ClinVar variation 1208606 (VCV001208606.20), dbSNP rs374645024, ClinGen allele CA513456.

ClinVar aggregate classification (germline): Uncertain significance. Review status: criteria provided, multiple submitters, no conflicts (2 of 4 stars). 6 submissions from 6 submitters: Uncertain significance (6). Last evaluated 2025-12-03.

Conditions:
Ehlers-Danlos syndrome, spondylodysplastic type, 2 (EDSSPD2). Also called: Ehlers-Danlos syndrome, progeroid type, 2. Identifiers: Orphanet 536467, Orphanet 75496, MedGen C3809210, MONDO:0014139, OMIM 615349.
Spondyloepimetaphyseal dysplasia with joint laxity (SEMDJL). Identifiers: MedGen C0432243, MONDO:0019675.
Al-Gazali syndrome. Also called: Al Gazali Al Talabani syndrome; Eye defects arachnodactyly cardiopathy. Identifiers: MedGen C1836121, MONDO:0012282, OMIM 609465.
Spondyloepimetaphyseal dysplasia with joint laxity, type 1, with or without fractures (SEMDJL1). Also called: SPONDYLOEPIMETAPHYSEAL DYSPLASIA WITH JOINT LAXITY, TYPE 1. Identifiers: Orphanet 642099, Orphanet 93359, MedGen C4017377, MONDO:0010075, OMIM 271640.

Allele frequency attached by ClinVar (database versions not stated): ESP Exome Variant Server 0.00008; gnomAD 0.00011.
gnomAD v4.1: 246 of 1,545,936 alleles (0.016%); highest among the groups gnomAD compares: Non-Finnish European, 0.02%; no homozygotes.

Submissions (6):

Women's Health and Genetics/Laboratory Corporation of America, LabCorp
Classification: Uncertain significance. Last evaluated: 2025-12-03. Review status: criteria provided, single submitter. Criteria: LabCorp Variant Classification Summary - May 2015. Collection method: clinical testing. Allele origin: germline.
Comment: Variant summary: B3GALT6 c.895C>A (p.Leu299Met) results in a conservative amino acid change in the encoded protein sequence. Algorithms developed to predict the effect of missense changes on protein structure and function are either unavailable or do not agree on the potential impact of this missense change. The variant allele was found at a frequency of 9.3e-05 in 140478 control chromosomes, predominantly at a frequency of 0.00024 within the Non-Finnish European subpopulation in the gnomAD database. This frequency is not significantly higher than estimated for disease-causing variants in B3GALT6, allowing no conclusion about variant significance. To our knowledge, no occurrence of c.895C>A in individuals affected with B3GALT6-related conditions and no experimental evidence demonstrating its impact on protein function have been reported. ClinVar contains an entry for this variant (Variation ID: 1208606). Based on the evidence outlined above, the variant was classified as uncertain significance.

Mayo Clinic Laboratories, Mayo Clinic
Classification: Uncertain significance. Last evaluated: 2025-10-06. Review status: criteria provided, single submitter. Criteria: ACMG Guidelines, 2015. Collection method: clinical testing. Allele origin: germline. Observed: 2 variant alleles.
Comment: BP4

CeGaT Center for Human Genetics Tuebingen
Classification: Uncertain significance. Last evaluated: 2025-07-01. Review status: criteria provided, single submitter. Criteria: CeGaT Center For Human Genetics Tuebingen Variant Classification Criteria Version 2. Collection method: clinical testing. Allele origin: germline. Affected: yes. Observed: 1 variant allele.
Comment: B3GALT6: PM1

Labcorp Genetics (formerly Invitae), Labcorp
Classification: Uncertain significance for Ehlers-Danlos syndrome, spondylodysplastic type, 2; Spondyloepimetaphyseal dysplasia with joint laxity. Last evaluated: 2022-09-12. Review status: criteria provided, single submitter. Criteria: Invitae Variant Classification Sherloc (09022015). Collection method: clinical testing. Allele origin: germline.
Comment: This sequence change replaces leucine, which is neutral and non-polar, with methionine, which is neutral and non-polar, at codon 299 of the B3GALT6 protein (p.Leu299Met). This variant is present in population databases (rs374645024, gnomAD 0.03%). This variant has not been reported in the literature in individuals affected with B3GALT6-related conditions. ClinVar contains an entry for this variant (Variation ID: 1208606). Algorithms developed to predict the effect of missense changes on protein structure and function are either unavailable or do not agree on the potential impact of this missense change (SIFT: "Deleterious"; PolyPhen-2: "Probably Damaging"; Align-GVGD: "Class C0"). In summary, the available evidence is currently insufficient to determine the role of this variant in disease. Therefore, it has been classified as a Variant of Uncertain Significance.

Fulgent Genetics
Classification: Uncertain significance for Spondyloepimetaphyseal dysplasia with joint laxity, type 1, with or without fractures; Al-Gazali syndrome; Ehlers-Danlos syndrome, spondylodysplastic type, 2. Last evaluated: 2022-03-17. Review status: criteria provided, single submitter. Criteria: ACMG Guidelines, 2015. Collection method: clinical testing. Allele origin: unknown.

GeneDx
Classification: Uncertain significance. Last evaluated: 2021-09-24. Review status: criteria provided, single submitter. Criteria: GeneDx Variant Classification Process June 2021. Collection method: clinical testing. Allele origin: germline. Affected: yes.
Comment: Has not been previously published as pathogenic or benign to our knowledge; In silico analysis supports that this missense variant does not alter protein structure/function